The following is an entry in ClinVar:

ClinVar aggregate classification (germline): Uncertain significance (1 of 4 stars; one submission).

gnomAD v4.1: 2 of 1,539,994 alleles (0.00013%); highest among the groups gnomAD compares: Non-Finnish European, 0.00017%; no homozygotes.

Submission:

Ambry Genetics
Classification: Uncertain significance. Last evaluated: 2025-02-02. Review status: criteria provided, single submitter. Criteria: Ambry Variant Classification Scheme 2023. Collection method: clinical testing. Allele origin: germline.
Comment: The p.A1433V variant (also known as c.4298C>T), located in coding exon 14 of the CDK12 gene, results from a C to T substitution at nucleotide position 4298. The alanine at codon 1433 is replaced by valine, an amino acid with similar properties. This amino acid position is conserved. In addition, this alteration is predicted to be tolerated by in silico analysis. Based on the available evidence, the clinical significance of this variant remains unclear.

NM_016507.4(CDK12):c.4298C>T (p.Ala1433Val)

Gene: CDK12 (cyclin dependent kinase 12; plus strand). Cytogenetic location: 17q12.
Variant type: single nucleotide variant.
Coding change: c.4298C>T on transcript NM_016507.4 (MANE Select); coding-DNA position 4298, C replaced by T.
Protein change: p.Ala1433Val; replaces alanine 1433 with valine.
Molecular consequence: missense variant.
Genome position (GRCh38, 1-based): chr17:39,531,141, C>T. VCF-style: chr17-39531141-C-T. GRCh37 (hg19) VCF-style: chr17-37687394-C-T.
Other names: c.4271C>T, p.Ala1424Val (NM_015083.4); short protein forms A1424V, A1433V.
Identifiers: ClinVar variation 3830595 (VCV003830595.1).
Genomic context (GRCh38, chr17:39,531,141, plus strand): 5'-ACCCGGTGGTCGGGCAACCATTCCTGAAGGCTGAGGGAAGCAGCAATTCTGTGGTACATG[C>T]AGAGACCAAATTGCAAAACTATGGGGAGCTGGGGCCAGGAACCACTGGGGCCAGCAGCTC-3'
Protein context (NP_057591.2, residues 1423-1443): AEGSSNSVVH[Ala1433Val]ETKLQNYGEL